The following is an entry in ClinVar:

ClinVar aggregate classification (germline): Uncertain significance (1 of 4 stars; one submission).

Conditions:
Hereditary cancer-predisposing syndrome. Also called: Tumor predisposition; Neoplastic Syndromes, Hereditary; Hereditary neoplastic syndrome; Hereditary Cancer Syndrome. Identifiers: Orphanet 140162, MedGen C0027672, MeSH D009386, MONDO:0015356.

Submission:

Ambry Genetics
Classification: Uncertain significance for Hereditary cancer-predisposing syndrome. Last evaluated: 2024-08-24. Review status: criteria provided, single submitter. Criteria: Ambry Variant Classification Scheme 2023. Collection method: clinical testing. Allele origin: germline.
Comment: The p.P93S variant (also known as c.277C>T), located in coding exon 5 of the SDHC gene, results from a C to T substitution at nucleotide position 277. The proline at codon 93 is replaced by serine, an amino acid with similar properties. This amino acid position is conserved. In addition, the in silico prediction for this alteration is inconclusive. Based on the available evidence, the clinical significance of this variant remains unclear.

NM_003001.5(SDHC):c.277C>T (p.Pro93Ser)

Gene: SDHC (succinate dehydrogenase complex subunit C; plus strand). Cytogenetic location: 1q23.3.
Variant type: single nucleotide variant.
Coding change: c.277C>T on transcript NM_003001.5 (MANE Select); coding-DNA position 277, C replaced by T.
Protein change: p.Pro93Ser; replaces proline 93 with serine.
Molecular consequence: missense variant. On other transcripts: non-coding transcript variant (1), intron variant (3).
Genome position (GRCh38, 1-based): chr1:161,356,712, C>T. VCF-style: chr1-161356712-C-T. GRCh37 (hg19) VCF-style: chr1-161326502-C-T.
Other names: c.175C>T, p.Pro59Ser (NM_001035512.3); c.118C>T, p.Pro40Ser (NM_001035513.3); c.397C>T, p.Pro133Ser (NM_001407115.1); c.220C>T, p.Pro74Ser (NM_001407116.1); c.214C>T, p.Pro72Ser (NM_001407117.1); c.169C>T, p.Pro57Ser (NM_001407118.1); c.166C>T, p.Pro56Ser (NM_001407119.1, NM_001407120.1); c.242-5617C>T (NM_001035511.3); and 2 more; short protein forms P74S, P133S, P40S, P56S, P59S, P57S, P72S, P93S.
Identifiers: ClinVar variation 3438780 (VCV003438780.1).
Genomic context (GRCh38, chr1:161,356,712, plus strand): 5'-ACAAGCTACTTGGTTTTCTCCTCAGGGGTCTCTCTTTTTGGCATGTCGGCCCTGTTACTC[C>T]CTGGGAACTTTGAGTCTTATTTGGAACTTGTGAAGTCCCTGTGTCTGGGGCCAGCACTGA-3'
Protein context (NP_002992.1, residues 83-103): SLFGMSALLL[Pro93Ser]GNFESYLELV